The following is an entry in ClinVar:

NM_000038.6(APC):c.1402G>A (p.Glu468Lys)

Gene: APC (APC regulator of Wnt signaling pathway; plus strand). Cytogenetic location: 5q22.2.
Variant type: single nucleotide variant.
Coding change: c.1402G>A on transcript NM_000038.6 (MANE Select); coding-DNA position 1402, G replaced by A.
Protein change: p.Glu468Lys; replaces glutamic acid 468 with lysine.
Molecular consequence: missense variant.
Genome position (GRCh38, 1-based): chr5:112,821,985, G>A. VCF-style: chr5-112821985-G-A. GRCh37 (hg19) VCF-style: chr5-112157682-G-A.
Other names: c.1402G>A, p.Glu468Lys (NM_001127510.3, NM_001354895.2, NM_001354896.2); c.1348G>A, p.Glu450Lys (NM_001127511.3); c.1432G>A, p.Glu478Lys (NM_001354897.2); c.1327G>A, p.Glu443Lys (NM_001354898.2); c.1318G>A, p.Glu440Lys (NM_001354899.2); c.1225G>A, p.Glu409Lys (NM_001354900.2, NM_001354901.2); c.1129G>A, p.Glu377Lys (NM_001354902.2); c.1099G>A, p.Glu367Lys (NM_001354903.2); and 3 more; short protein forms E450K, E468K, E377K, E443K, E185K, E308K, E367K, E409K.
Identifiers: ClinVar variation 469704 (VCV000469704.14), dbSNP rs1060503340, ClinGen allele CA16024378.

ClinVar aggregate classification (germline): Uncertain significance. Review status: criteria provided, multiple submitters, no conflicts (2 of 4 stars). 3 submissions from 3 submitters: Uncertain significance (3). Last evaluated 2025-01-11.

Conditions:
Familial adenomatous polyposis 1 (FAP1). Also called: POLYPOSIS, ADENOMATOUS INTESTINAL; FAMILIAL ADENOMATOUS POLYPOSIS 1, ATTENUATED. Identifiers: MedGen C2713442, MONDO:0021056, OMIM 175100. Disease mechanism: loss of function.
Classic or attenuated familial adenomatous polyposis. Identifiers: MedGen CN372698, MONDO:0021057.
Hereditary cancer-predisposing syndrome. Also called: Hereditary neoplastic syndrome; Neoplastic Syndromes, Hereditary; Tumor predisposition; Hereditary Cancer Syndrome. Identifiers: Orphanet 140162, MedGen C0027672, MeSH D009386, MONDO:0015356.

Allele frequency attached by ClinVar (database versions not stated): TOPMed below 0.00001.

Submissions (3):

Ambry Genetics
Classification: Uncertain significance for Hereditary cancer-predisposing syndrome. Last evaluated: 2025-01-11. Review status: criteria provided, single submitter. Criteria: Ambry Variant Classification Scheme 2023. Collection method: clinical testing. Allele origin: germline.
Comment: The p.E468K variant (also known as c.1402G>A), located in coding exon 10 of the APC gene, results from a G to A substitution at nucleotide position 1402. The glutamic acid at codon 468 is replaced by lysine, an amino acid with similar properties. Missense alterations in APC are not a common cause of disease (Spier I et al. Genet Med. 2024 Feb;26(2):100992). This amino acid position is highly conserved in available vertebrate species. In addition, in silico predictors for this gene do not accurately predict pathogenicity. Based on the available evidence, the clinical significance of this variant remains unclear.

All of Us Research Program, National Institutes of Health
Classification: Uncertain significance for Classic or attenuated familial adenomatous polyposis. Last evaluated: 2024-08-06. Review status: criteria provided, single submitter. Criteria: ACMG Guidelines, 2015. Collection method: clinical testing. Allele origin: germline. Inheritance: Autosomal dominant inheritance. Observed: 1 variant allele, 1 heterozygote.
Comment: This study involves interpretation of variants in research participants for the purpose of population health screening. Participant phenotype was not available at the time of variant classification. Additional details can be found in publication PMID: 35346344, PMCID: PMC8962531

Labcorp Genetics (formerly Invitae), Labcorp
Classification: Uncertain significance for Familial adenomatous polyposis 1. Last evaluated: 2023-03-26. Review status: criteria provided, single submitter. Criteria: Invitae Variant Classification Sherloc (09022015). Collection method: clinical testing. Allele origin: germline.
Comment: This variant has not been reported in the literature in individuals affected with APC-related conditions. In summary, the available evidence is currently insufficient to determine the role of this variant in disease. Therefore, it has been classified as a Variant of Uncertain Significance. Advanced modeling of protein sequence and biophysical properties (such as structural, functional, and spatial information, amino acid conservation, physicochemical variation, residue mobility, and thermodynamic stability) performed at Invitae indicates that this missense variant is not expected to disrupt APC protein function. ClinVar contains an entry for this variant (Variation ID: 469704). This sequence change replaces glutamic acid, which is acidic and polar, with lysine, which is basic and polar, at codon 468 of the APC protein (p.Glu468Lys). This variant is not present in population databases (gnomAD no frequency).